The following is an entry in ClinVar:

NM_001267550.2(TTN):c.101485G>A (p.Glu33829Lys)

Genes: TTN-AS1 (TTN antisense RNA 1; plus strand), TTN (titin; minus strand). Cytogenetic location: 2q31.2.
Variant type: single nucleotide variant.
Coding change: c.101485G>A on transcript NM_001267550.2 (MANE Select); coding-DNA position 101485, G replaced by A.
Protein change: p.Glu33829Lys; replaces glutamic acid 33829 with lysine.
Molecular consequence: missense variant.
Genome position (GRCh38, 1-based): chr2:178,535,130, C>T on the plus strand (G>A on the coding strand, the complement: TTN is on the minus strand). VCF-style: chr2-178535130-C-T. GRCh37 (hg19) VCF-style: chr2-179399857-C-T.
Other names: c.96562G>A, p.Glu32188Lys (NM_001256850.1); c.74290G>A, p.Glu24764Lys (NM_003319.4); c.93781G>A, p.Glu31261Lys (NM_133378.4); c.74665G>A, p.Glu24889Lys (NM_133432.3); c.74866G>A, p.Glu24956Lys (NM_133437.4); short protein forms E32188K, E33829K, E24764K, E24889K, E31261K, E24956K.
Identifiers: ClinVar variation 4788920 (VCV004788920.1).

ClinVar aggregate classification (germline): Uncertain significance (1 of 4 stars; one submission).

Conditions:
Autosomal recessive limb-girdle muscular dystrophy type 2J (LGMDR10). Also called: Limb-girdle muscular dystrophy, type 2J; MUSCULAR DYSTROPHY, LIMB-GIRDLE, AUTOSOMAL RECESSIVE 10. Identifiers: Orphanet 140922, MedGen C1837342, MONDO:0012127, OMIM 608807.
Dilated cardiomyopathy 1G (CMD1G). Identifiers: Orphanet 154, MedGen C1858763, MONDO:0011400, OMIM 604145.

gnomAD v4.1: 1 of 1,613,830 alleles (0.000062%); highest among the groups gnomAD compares: Non-Finnish European, 0.000085%; no homozygotes.

Submission:

Labcorp Genetics (formerly Invitae), Labcorp
Classification: Uncertain significance for Dilated cardiomyopathy 1G; Autosomal recessive limb-girdle muscular dystrophy type 2J. Last evaluated: 2025-04-09. Review status: criteria provided, single submitter. Criteria: Invitae Variant Classification Sherloc (09022015). Collection method: clinical testing. Allele origin: germline.
Comment: This sequence change replaces glutamic acid, which is acidic and polar, with lysine, which is basic and polar, at codon 33829 of the TTN protein (p.Glu33829Lys). This variant is present in population databases (rs755890947, gnomAD 0.0009%). This variant has not been reported in the literature in individuals affected with TTN-related conditions. Experimental studies and prediction algorithms are not available or were not evaluated, and the functional significance of this variant is currently unknown. Algorithms developed to predict the effect of sequence changes on RNA splicing suggest that this variant may create or strengthen a splice site. This variant is located in the M band of TTN (PMID: 25589632). Non-truncating variants in this region may be relevant for neuromuscular disorders, but have not been definitively shown to cause cardiomyopathy (PMID: 23975875). In summary, the available evidence is currently insufficient to determine the role of this variant in disease. Therefore, it has been classified as a Variant of Uncertain Significance.

Literature cited by the submitters: PubMed 25589632; PubMed 23975875.